The following is an entry in ClinVar:

ClinVar aggregate classification (germline): Likely pathogenic (1 of 4 stars; one submission).

Submission:

Labcorp Genetics (formerly Invitae), Labcorp
Classification: Likely pathogenic. Last evaluated: 2022-08-22. Review status: criteria provided, single submitter. Criteria: Invitae Variant Classification Sherloc (09022015). Collection method: clinical testing. Allele origin: germline.
Comment: In summary, the currently available evidence indicates that the variant is pathogenic, but additional data are needed to prove that conclusively. Therefore, this variant has been classified as Likely Pathogenic. Algorithms developed to predict the effect of sequence changes on RNA splicing suggest that this variant may disrupt the consensus splice site. This variant has not been reported in the literature in individuals affected with CACNA1F-related conditions. This variant is not present in population databases (gnomAD no frequency). This sequence change affects a donor splice site in intron 31 of the CACNA1F gene. It is expected to disrupt RNA splicing. Variants that disrupt the donor or acceptor splice site typically lead to a loss of protein function (PMID: 16199547), and loss-of-function variants in CACNA1F are known to be pathogenic (PMID: 9662399, 11281458, 17525176, 22194652, 24124559, 26992781).

Literature cited by the submitters: PubMed 16199547; PubMed 9662399; PubMed 11281458; PubMed 17525176; PubMed 22194652; PubMed 24124559; PubMed 26992781.

NM_001256789.3(CACNA1F):c.3792+2T>C

Gene: CACNA1F (calcium voltage-gated channel subunit alpha1 F; minus strand). Cytogenetic location: Xp11.23.
Variant type: single nucleotide variant.
Coding change: c.3792+2T>C on transcript NM_001256789.3 (MANE Select); the canonical splice donor site of the intron after coding-DNA position 3792, T replaced by C.
Molecular consequence: splice donor variant.
Genome position (GRCh38, 1-based): chrX:49,213,817, A>G on the plus strand (T>C on the coding strand, the complement: CACNA1F is on the minus strand). VCF-style: chrX-49213817-A-G. GRCh37 (hg19) VCF-style: chrX-49070277-A-G.
Other names: c.3825+2T>C (NM_005183.4); c.3630+2T>C (NM_001256790.3).
Identifiers: ClinVar variation 2026141 (VCV002026141.5), dbSNP rs2520839479, ClinGen allele CA412962545.